The following is an entry in ClinVar:

NM_001032283.3(TMPO):c.565+1005A>G

Gene: TMPO (thymopoietin; plus strand). Cytogenetic location: 12q23.1.
Variant type: single nucleotide variant.
Coding change: c.565+1005A>G on transcript NM_001032283.3 (MANE Select); 1005 bases into the intron after coding-DNA position 565, A replaced by G.
Molecular consequence: intron variant. On other transcripts: missense variant (1).
Genome position (GRCh38, 1-based): chr12:98,532,843, A>G. VCF-style: chr12-98532843-A-G. GRCh37 (hg19) VCF-style: chr12-98926621-A-G.
Other names: c.586A>G, p.Lys196Glu (NM_003276.2); c.565+1005A>G (NM_001307975.2, NM_001032284.3); short protein forms K196E.
Identifiers: ClinVar variation 1750173 (VCV001750173.5), dbSNP rs1336665930, ClinGen allele CA386151389.

ClinVar aggregate classification (germline): Uncertain significance. Review status: criteria provided, multiple submitters, no conflicts (2 of 4 stars). 2 submissions from 2 submitters: Uncertain significance (2). Last evaluated 2023-03-07.

Conditions:
Loeys-Dietz syndrome 2 (LDS2). Also called: TGFBR2-Related Loeys-Dietz Syndrome; Marfan Syndrome type 2; Marfan like connective tissue disorder; MFS 2; AORTIC ANEURYSM, FAMILIAL THORACIC 3; MARFAN SYNDROME, TYPE II. Identifiers: Orphanet 284973, Orphanet 558, MedGen C2674574, MONDO:0012427, OMIM 610168.

Allele frequency attached by ClinVar (database versions not stated): TOPMed below 0.00001.

Submissions (2):

Labcorp Genetics (formerly Invitae), Labcorp
Classification: Uncertain significance for Loeys-Dietz syndrome 2. Last evaluated: 2023-03-07. Review status: criteria provided, single submitter. Criteria: Invitae Variant Classification Sherloc (09022015). Collection method: clinical testing. Allele origin: germline.
Comment: ClinVar contains an entry for this variant (Variation ID: 1750173). In summary, the available evidence is currently insufficient to determine the role of this variant in disease. Therefore, it has been classified as a Variant of Uncertain Significance. Advanced modeling of protein sequence and biophysical properties (such as structural, functional, and spatial information, amino acid conservation, physicochemical variation, residue mobility, and thermodynamic stability) performed at Invitae indicates that this missense variant is not expected to disrupt TMPO protein function. This variant has not been reported in the literature in individuals affected with TMPO-related conditions. This variant is not present in population databases (gnomAD no frequency). This sequence change replaces lysine, which is basic and polar, with glutamic acid, which is acidic and polar, at codon 196 of the TMPO protein (p.Lys196Glu).

Ambry Genetics
Classification: Uncertain significance. Last evaluated: 2021-12-16. Review status: criteria provided, single submitter. Criteria: Ambry Variant Classification Scheme 2023. Collection method: clinical testing. Allele origin: germline.
Comment: The p.K196E variant (also known as c.586A>G), located in coding exon 4 of the TMPO gene, results from an A to G substitution at nucleotide position 586. The lysine at codon 196 is replaced by glutamic acid, an amino acid with similar properties. This amino acid position is conserved. In addition, this alteration is predicted to be tolerated by in silico analysis. Since supporting evidence is limited at this time, the clinical significance of this alteration remains unclear.